The following is an entry in ClinVar:

NM_001005242.3(PKP2):c.144_165del (p.Gln49fs)

Gene: PKP2 (plakophilin 2; minus strand). Cytogenetic location: 12p11.21.
Variant type: Deletion.
Coding change: c.144_165del on transcript NM_001005242.3 (MANE Select); coding-DNA positions 144 to 165, 22 bases deleted (CCAGACAGTCAAGAGCCTGCGG).
Protein change: p.Gln49fs; shifts the reading frame from glutamine 49.
Molecular consequence: frameshift variant.
Genome position (GRCh38, 1-based): chr12:32,896,567-32,896,588, CCGCAGGCTCTTGACTGTCTGG deleted on the plus strand (CCAGACAGTCAAGAGCCTGCGG on the coding strand, the reverse complement: PKP2 is on the minus strand); deleting any 22 consecutive bases within chr12:32,896,567-32,896,592 gives the same sequence; the c. name uses the placement nearest the transcript's 3' end. VCF-style (leftmost placement, unchanged base first): chr12-32896566-TCCGCAGGCTCTTGACTGTCTGG-T. GRCh37 (hg19) VCF-style: chr12-33049500-TCCGCAGGCTCTTGACTGTCTGG-T.
Other names: c.144_165del22 (NM_004572.3); c.144_165del, p.Gln49fs (NM_004572.4); short protein forms Q49fs.
Identifiers: ClinVar variation 856786 (VCV000856786.14), dbSNP rs930283260, ClinGen allele CA235280638.
Genomic context (GRCh38, chr12:32,896,566, plus strand): 5'-CACCGTTGCCCACGGAGCTGCGGCCCTTCCGGGCGAGGGTCTGCTGCACCTGCTCCTGGA[TCCGCAGGCTCTTGACTGTCTGG>T]CCGCCGCGGCCGCTGCTCCCCGCCAGCTTCAGCTTGGCCTCGGAGGGCAGCGCCAGGCTG-3'

ClinVar aggregate classification (germline): Pathogenic/Likely pathogenic. Review status: criteria provided, multiple submitters, no conflicts (2 of 4 stars). 5 submissions from 5 submitters: Pathogenic (2); Likely pathogenic (3). Last evaluated 2026-09-14.

Conditions:
Cardiovascular phenotype. Identifiers: MedGen CN230736.
Arrhythmogenic right ventricular dysplasia 9 (ARVD9). Also called: Arrhythmogenic Right Ventricular Dysplasia/Cardiomyopathy 9; ARRHYTHMOGENIC RIGHT VENTRICULAR DYSPLASIA, FAMILIAL, 9. Identifiers: MedGen C1836906, MONDO:0012180, OMIM 609040.

Submissions (5):

Ambry Genetics
Classification: Pathogenic for Cardiovascular phenotype. Last evaluated: 2026-09-14. Review status: criteria provided, single submitter. Criteria: Ambry Variant Classification Scheme 2023. Collection method: clinical testing. Allele origin: germline.
Comment: The c.144_165del22 alteration, located in exon 1 (coding exon 1) of the PKP2 gene, consists of a deletion of 22 nucleotides from position 144 to 165, causing a translational frameshift with a predicted alternate stop codon after amino acids. This variant is expected to result in loss of function by premature protein truncation or nonsense-mediated mRNA decay. This variant was not reported in population-based cohorts in the Genome Aggregation Database (gnomAD). This variant has been reported in an individual with dilated cardiomyopathy; however clinical details were limited and additional variants were reported (Headrick, 2019). Based on the available evidence, this alteration is classified as pathogenic.

Labcorp Genetics (formerly Invitae), Labcorp
Classification: Pathogenic for Arrhythmogenic right ventricular dysplasia 9. Last evaluated: 2025-01-29. Review status: criteria provided, single submitter. Criteria: Invitae Variant Classification Sherloc (09022015). Collection method: clinical testing. Allele origin: germline.
Comment: This sequence change creates a premature translational stop signal (p.Gln49Serfs*56) in the PKP2 gene. It is expected to result in an absent or disrupted protein product. Loss-of-function variants in PKP2 are known to be pathogenic (PMID: 15489853, 17041889, 23911551). This variant is not present in population databases (gnomAD no frequency). This variant has not been reported in the literature in individuals affected with PKP2-related conditions. ClinVar contains an entry for this variant (Variation ID: 856786). For these reasons, this variant has been classified as Pathogenic.

Illumina Laboratory Services, Illumina
Classification: Likely pathogenic for Arrhythmogenic right ventricular dysplasia 9. Last evaluated: 2023-12-04. Review status: criteria provided, single submitter. Criteria: ICSLVariantClassificationCriteria RUGD 01 April 2020. Collection method: clinical testing. Allele origin: unknown.
Comment: The PKP2 c.144_165del p.(Gln49SerfsTer56) variant causes a shift in the protein reading frame that is predicted to result in premature termination of the protein. Loss of normal protein function through either protein truncation or nonsense-mediated decay is expected. This variant has been identified in a child with a diagnosis of dilated cardiomyopathy and heart failure, who also has several other variants in cardiomyopathy-associated genes (PMID: 30985088). This variant is not observed in version 2.1.1 or version 4.0.0 of the Genome Aggregation Database. This variant has been classified as likely pathogenic or pathogenic by at least three submitters in ClinVar. Based on the available evidence, the c.144_165del p.(Gln49SerfsTer56) variant has been classified as likely pathogenic for arrhythmogenic right ventricular cardiomyopathy.

AiLife Diagnostics
Classification: Likely pathogenic. Last evaluated: 2021-08-18. Review status: criteria provided, single submitter. Criteria: ACMG Guidelines, 2015. Collection method: clinical testing. Allele origin: germline. Affected: yes. Observed: 1 variant allele.

GeneDx
Classification: Likely pathogenic. Last evaluated: 2021-06-21. Review status: criteria provided, single submitter. Criteria: GeneDx Variant Classification Process June 2021. Collection method: clinical testing. Allele origin: germline. Affected: yes.
Comment: Has not been previously published as pathogenic or benign to our knowledge; Not observed in large population cohorts (Lek et al., 2016); Frameshift variant predicted to result in protein truncation or nonsense mediated decay in a gene for which loss-of-function is a known mechanism of disease; Reported in ClinVar (ClinVar Variant ID#856786; Landrum et al., 2016); This variant is associated with the following publications: (PMID: 27535533)

Literature cited by the submitters: PubMed 30985088 (cited by 3 submitters); PubMed 15489853 (cited by Labcorp Genetics (formerly Invitae), Labcorp); PubMed 17041889 (cited by Labcorp Genetics (formerly Invitae), Labcorp); PubMed 23911551 (cited by Labcorp Genetics (formerly Invitae), Labcorp).